The following is an entry in ClinVar:

ClinVar aggregate classification (germline): Uncertain significance (1 of 4 stars; one submission).

gnomAD v4.1: 6 of 1,570,018 alleles (0.00038%); highest among the groups gnomAD compares: Admixed American, 0.0036%; no homozygotes.

Submission:

Women's Health and Genetics/Laboratory Corporation of America, LabCorp
Classification: Uncertain significance. Last evaluated: 2026-03-24. Review status: criteria provided, single submitter. Criteria: LabCorp Variant Classification Summary - May 2015. Collection method: clinical testing. Allele origin: germline.
Comment: Variant summary: GDF1 c.206G>A (p.Arg69Gln) results in a conservative amino acid change in the encoded protein sequence. Algorithms developed to predict the effect of missense changes on protein structure and function all suggest that this variant is likely to be tolerated. The variant allele was found at a frequency of 1.7e-05 in 181382 control chromosomes. The available data on variant occurrences in the general population are insufficient to allow any conclusion about variant significance. To our knowledge, no occurrence of c.206G>A in individuals affected with GDF1-related conditions and no experimental evidence demonstrating its impact on protein function have been reported. No submitters have cited clinical-significance assessments for this variant to ClinVar. Based on the evidence outlined above, the variant was classified as uncertain significance.

NM_001492.6(GDF1):c.206G>A (p.Arg69Gln)

Genes: CERS1 (ceramide synthase 1; minus strand), GDF1 (growth differentiation factor 1; minus strand). Cytogenetic location: 19p13.11.
Variant type: single nucleotide variant.
Coding change: c.206G>A on transcript NM_001492.6 (MANE Select); coding-DNA position 206, G replaced by A.
Protein change: p.Arg69Gln; replaces arginine 69 with glutamine.
Molecular consequence: missense variant. On other transcripts: 3 prime UTR variant (2).
Genome position (GRCh38, 1-based): chr19:18,870,102, C>T on the plus strand (G>A on the coding strand, the complement: GDF1 is on the minus strand). VCF-style: chr19-18870102-C-T. GRCh37 (hg19) VCF-style: chr19-18980911-C-T.
Other names: c.*475G>A (NM_001387440.1, NM_021267.5); c.206G>A, p.Arg69Gln (NM_001387438.1); short protein forms R69Q.
Identifiers: ClinVar variation 4847708 (VCV004847708.1).